The following is an entry in ClinVar:

ClinVar aggregate classification (germline): Uncertain significance (1 of 4 stars; one submission).

Conditions:
PLXNA4-related disorder. Also called: PLXNA4-related condition.

gnomAD v4.1: 16 of 1,613,516 alleles (0.00099%); highest among the groups gnomAD compares: Non-Finnish European, 0.0014%; no homozygotes.

Submission:

PreventionGenetics, part of Exact Sciences
Classification: Uncertain significance for PLXNA4-related condition. Last evaluated: 2026-03-09. Review status: criteria provided, single submitter. Criteria: ACMG Guidelines, 2015. Collection method: clinical testing. Allele origin: germline.
Comment: The PLXNA4 c.4109G>T variant is predicted to result in the amino acid substitution p.Arg1370Leu. To our knowledge, this variant has not been reported in the literature. This variant is reported in 0.0065% of alleles in individuals of European (Non-Finnish) descent in gnomAD. At this time, the clinical significance of this variant is uncertain due to the absence of conclusive functional and genetic evidence.

NM_020911.2(PLXNA4):c.4109G>T (p.Arg1370Leu)

Gene: PLXNA4 (plexin A4; minus strand). Cytogenetic location: 7q32.3.
Variant type: single nucleotide variant.
Coding change: c.4109G>T on transcript NM_020911.2 (MANE Select); coding-DNA position 4109, G replaced by T.
Protein change: p.Arg1370Leu; replaces arginine 1370 with leucine.
Molecular consequence: missense variant.
Genome position (GRCh38, 1-based): chr7:132,168,481, C>A on the plus strand (G>T on the coding strand, the complement: PLXNA4 is on the minus strand). VCF-style: chr7-132168481-C-A. GRCh37 (hg19) VCF-style: chr7-131853240-C-A.
Other names: c.4109G>T, p.Arg1370Leu (NM_001393897.1); short protein forms R1370L.
Identifiers: ClinVar variation 4987149 (VCV004987149.1).